The following is an entry in ClinVar:

NM_001024845.3(SLC6A9):c.133G>A (p.Val45Met)

Gene: SLC6A9 (solute carrier family 6 member 9; minus strand). Cytogenetic location: 1p34.1.
Variant type: single nucleotide variant.
Coding change: c.133G>A on transcript NM_001024845.3 (MANE Select); coding-DNA position 133, G replaced by A.
Protein change: p.Val45Met; replaces valine 45 with methionine.
Molecular consequence: missense variant. On other transcripts: non-coding transcript variant (1), intron variant (4).
Genome position (GRCh38, 1-based): chr1:44,010,780, C>T on the plus strand (G>A on the coding strand, the complement: SLC6A9 is on the minus strand). VCF-style: chr1-44010780-C-T. GRCh37 (hg19) VCF-style: chr1-44476452-C-T.
Other names: c.190G>A, p.Val64Met (NM_001261380.2, NM_006934.4); c.133G>A, p.Val45Met (NM_001328629.1); c.352G>A, p.Val118Met (NM_201649.4); c.-14-2157G>A (NM_001328630.2, NM_001328626.2); c.125-2157G>A (NM_001328628.1); c.125-684G>A (NM_001328627.1); short protein forms V118M, V45M, V64M.
Identifiers: ClinVar variation 2070485 (VCV002070485.4), dbSNP rs770901911, ClinGen allele CA817892.
Genomic context (GRCh38, chr1:44,010,780, plus strand): 5'-GGGTACCTCCCCCGTTGCGATAGCAGAGGTATGGGAAGCGCCAGACATTGCCCAGGCCCA[C>T]GGCATAGCCCACGCTCGTCAGTACAAACTCGATCTGGTTGCCCCAGTTGCCCCGTTTGAG-3'
Protein context (NP_001020016.1, residues 35-55): EFVLTSVGYA[Val45Met]GLGNVWRFPY

ClinVar aggregate classification (germline): Uncertain significance (1 of 4 stars; one submission).

Conditions:
Atypical glycine encephalopathy. Also called: Glycine encephalopathy with normal serum glycine. Identifiers: Orphanet 289863, MedGen C4310943, MONDO:0015010, OMIM 617301.

Allele frequency attached by ClinVar (database versions not stated): gnomAD exomes below 0.00001; ExAC 0.00002.
gnomAD v4.1: 7 of 1,614,092 alleles (0.00043%); highest among the groups gnomAD compares: Non-Finnish European, 0.00059%; no homozygotes.

Submission:

Labcorp Genetics (formerly Invitae), Labcorp
Classification: Uncertain significance for Atypical glycine encephalopathy. Last evaluated: 2024-10-21. Review status: criteria provided, single submitter. Criteria: Invitae Variant Classification Sherloc (09022015). Collection method: clinical testing. Allele origin: germline.
Comment: This sequence change replaces valine, which is neutral and non-polar, with methionine, which is neutral and non-polar, at codon 118 of the SLC6A9 protein (p.Val118Met). This variant is present in population databases (rs770901911, gnomAD 0.003%). This missense change has been observed in individual(s) with arthrogryposis multiplex congenita and/or glycine encephalopathy (PMID: 32712301, 34740919). It has also been observed to segregate with disease in related individuals. ClinVar contains an entry for this variant (Variation ID: 2070485). An algorithm developed to predict the effect of missense changes on protein structure and function (PolyPhen-2) suggests that this variant is likely to be disruptive. Experimental studies have shown that this missense change affects SLC6A9 function (PMID: 32712301). In summary, the available evidence is currently insufficient to determine the role of this variant in disease. Therefore, it has been classified as a Variant of Uncertain Significance.

Literature cited by the submitters: PubMed 32712301; PubMed 34740919.